The following is an entry in ClinVar:

NM_130839.5(UBE3A):c.342C>A (p.Gly114=)

Genes: SNHG14 (small nucleolar RNA host gene 14; plus strand), UBE3A (ubiquitin protein ligase E3A; minus strand). Cytogenetic location: 15q11.2.
Variant type: single nucleotide variant.
Coding change: c.342C>A on transcript NM_130839.5 (MANE Select); coding-DNA position 342, C replaced by A.
Protein change: p.Gly114=; no amino-acid change (glycine 114 retained).
Molecular consequence: synonymous variant. On other transcripts: non-coding transcript variant (1).
Genome position (GRCh38, 1-based): chr15:25,375,484, G>T on the plus strand (C>A on the coding strand, the complement: UBE3A is on the minus strand). VCF-style: chr15-25375484-G-T. GRCh37 (hg19) VCF-style: chr15-25620631-G-T.
Other names: c.351C>A, p.Gly117= (NM_000462.5); c.342C>A, p.Gly114= (NM_001354505.1, NM_001354538.2, NM_001354545.2 and 1 more transcripts); c.282C>A, p.Gly94= (NM_001354506.2, NM_001354507.2, NM_001354508.2 and 18 more transcripts); c.165C>A, p.Gly55= (NM_001354546.2).
Identifiers: ClinVar variation 511245 (VCV000511245.11), dbSNP rs142726511, ClinGen allele CA7435666.

ClinVar aggregate classification (germline): Likely benign. Review status: criteria provided, multiple submitters, no conflicts (2 of 4 stars). 3 submissions from 3 submitters: Likely benign (3). Last evaluated 2025-05-11.

Conditions:
Inborn genetic diseases. Identifiers: MedGen C0950123, MeSH D030342.
Angelman syndrome (AS). Also called: HAPPY PUPPET SYNDROME. Identifiers: Orphanet 72, MedGen C0162635, MONDO:0007113, OMIM 105830. Disease mechanism: loss of function. Inheritance: AS is caused by disruption of maternally imprinted UBE3A located within the 15q11.2-q13 Angelman syndrome/Prader-Willi syndrome (AS/PWS) region., imprinting disorder.

Allele frequency attached by ClinVar (database versions not stated): TOPMed 0.00001.
gnomAD v4.1: 33 of 1,613,906 alleles (0.002%); highest among the groups gnomAD compares: Non-Finnish European, 0.0025%; no homozygotes.

Submissions (3):

Labcorp Genetics (formerly Invitae), Labcorp
Classification: Likely benign for Angelman syndrome. Last evaluated: 2025-05-11. Review status: criteria provided, single submitter. Criteria: Invitae Variant Classification Sherloc (09022015). Collection method: clinical testing. Allele origin: germline.

Ambry Genetics
Classification: Likely benign for Inborn genetic diseases. Last evaluated: 2019-04-29. Review status: criteria provided, single submitter. Criteria: Ambry Variant Classification Scheme 2023. Collection method: clinical testing. Allele origin: germline.

GeneDx
Classification: Likely benign. Last evaluated: 2018-02-22. Review status: criteria provided, single submitter. Criteria: GeneDx Variant Classification (06012015). Collection method: clinical testing. Allele origin: germline. Affected: yes.
Comment: This variant is considered likely benign or benign based on one or more of the following criteria: it is a conservative change, it occurs at a poorly conserved position in the protein, it is predicted to be benign by multiple in silico algorithms, and/or has population frequency not consistent with disease.